The following is an entry in ClinVar:

NM_001370466.1(NOD2):c.2982C>G (p.Asn994Lys)

Genes: CYLD-AS1 (CYLD antisense RNA 1; minus strand), NOD2 (nucleotide binding oligomerization domain containing 2; plus strand). Cytogenetic location: 16q12.1.
Variant type: single nucleotide variant.
Coding change: c.2982C>G on transcript NM_001370466.1 (MANE Select); coding-DNA position 2982, C replaced by G.
Protein change: p.Asn994Lys; replaces asparagine 994 with lysine.
Molecular consequence: missense variant. On other transcripts: non-coding transcript variant (1).
Genome position (GRCh38, 1-based): chr16:50,731,759, C>G. VCF-style: chr16-50731759-C-G. GRCh37 (hg19) VCF-style: chr16-50765670-C-G.
Other names: c.2982C>G, p.Asn994Lys (NM_001293557.2); c.3063C>G, p.Asn1021Lys (NM_022162.3); short protein forms N1021K, N994K.
Identifiers: ClinVar variation 4626271 (VCV004626271.2).

ClinVar aggregate classification (germline): Uncertain significance. Review status: criteria provided, multiple submitters, no conflicts (2 of 4 stars). 2 submissions from 2 submitters: Uncertain significance (2). Last evaluated 2025-11-01.

Conditions:
Inborn genetic diseases. Identifiers: MedGen C0950123, MeSH D030342.
Regional enteritis. Also called: Enteritis, Granulomatous. Identifiers: MedGen C0678202, MeSH D003424.
Blau syndrome (BLAUS). Also called: ARTHROCUTANEOUVEAL GRANULOMATOSIS; GRANULOMATOSIS, FAMILIAL JUVENILE SYSTEMIC; GRANULOMATOSIS, FAMILIAL, BLAU TYPE; GRANULOMATOUS INFLAMMATORY ARTHRITIS, DERMATITIS, AND UVEITIS, FAMILIAL; JABS SYNDROME. Identifiers: Orphanet 90340, MedGen C5201146, MONDO:0008523, OMIM 186580.

gnomAD v4.1: 4 of 1,612,992 alleles (0.00025%); highest among the groups gnomAD compares: Admixed American, 0.0067%; no homozygotes.

Submissions (2):

Labcorp Genetics (formerly Invitae), Labcorp
Classification: Uncertain significance for Regional enteritis; Blau syndrome. Last evaluated: 2025-11-01. Review status: criteria provided, single submitter. Criteria: Invitae Variant Classification Sherloc (09022015). Collection method: clinical testing. Allele origin: germline.
Comment: This sequence change replaces asparagine, which is neutral and polar, with lysine, which is basic and polar, at codon 1021 of the NOD2 protein (p.Asn1021Lys). This variant is present in population databases (rs760568789, gnomAD 0.006%). This variant has not been reported in the literature in individuals affected with NOD2-related conditions. Invitae Evidence Modeling of protein sequence and biophysical properties (such as structural, functional, and spatial information, amino acid conservation, physicochemical variation, residue mobility, and thermodynamic stability) has been performed for this missense variant. However, the output from this modeling did not meet the statistical confidence thresholds required to predict the impact of this variant on NOD2 protein function. In summary, the available evidence is currently insufficient to determine the role of this variant in disease. Therefore, it has been classified as a Variant of Uncertain Significance.

Ambry Genetics
Classification: Uncertain significance for Inborn genetic diseases. Last evaluated: 2025-10-18. Review status: criteria provided, single submitter. Criteria: Ambry Variant Classification Scheme 2023. Collection method: clinical testing. Allele origin: germline.